The following is an entry in ClinVar:

ClinVar aggregate classification (germline): Uncertain significance. Review status: criteria provided, multiple submitters, no conflicts (2 of 4 stars). 2 submissions from 2 submitters: Uncertain significance (2). Last evaluated 2025-09-09.

Conditions:
Cutis laxa, X-linked (OHS). Also called: EDS IX; Occipital horn syndrome. Identifiers: Orphanet 198, MedGen C0268353, MONDO:0010572, OMIM 304150.
Menkes kinky-hair syndrome (MNK). Also called: Copper transport disease; Menkes Disease; Classic Menkes Disease. Identifiers: Orphanet 565, MedGen C0022716, MONDO:0010651, OMIM 309400.
X-linked distal spinal muscular atrophy type 3. Also called: ATP7A-Related Distal Motor Neuropathy; SPINAL MUSCULAR ATROPHY, DISTAL, X-LINKED RECESSIVE; NEURONOPATHY, DISTAL HEREDITARY MOTOR, X-LINKED; NEUROPATHY, DISTAL HEREDITARY MOTOR, X-LINKED. Identifiers: Orphanet 139557, MedGen C1845359, MONDO:0010338, OMIM 300489.

Submissions (2):

Labcorp Genetics (formerly Invitae), Labcorp
Classification: Uncertain significance for X-linked distal spinal muscular atrophy type 3; Cutis laxa, X-linked; Menkes kinky-hair syndrome. Last evaluated: 2025-09-09. Review status: criteria provided, single submitter. Criteria: Invitae Variant Classification Sherloc (09022015). Collection method: clinical testing. Allele origin: germline.
Comment: This sequence change replaces asparagine, which is neutral and polar, with tyrosine, which is neutral and polar, at codon 1066 of the ATP7A protein (p.Asn1066Tyr). This variant is not present in population databases (gnomAD no frequency). This variant has not been reported in the literature in individuals affected with ATP7A-related conditions. Invitae Evidence Modeling of protein sequence and biophysical properties (such as structural, functional, and spatial information, amino acid conservation, physicochemical variation, residue mobility, and thermodynamic stability) indicates that this missense variant is not expected to disrupt ATP7A protein function with a negative predictive value of 95%. In summary, the available evidence is currently insufficient to determine the role of this variant in disease. Therefore, it has been classified as a Variant of Uncertain Significance.

Greenwood Genetic Center Diagnostic Laboratories, Greenwood Genetic Center
Classification: Uncertain significance. Last evaluated: 2025-04-08. Review status: criteria provided, single submitter. Criteria: ACMG Guidelines, 2015. Collection method: clinical testing. Allele origin: germline. Affected: yes.
Comment: PM2

NM_000052.7(ATP7A):c.3196A>T (p.Asn1066Tyr)

Gene: ATP7A (ATPase copper transporting alpha; plus strand). Cytogenetic location: Xq21.1.
Variant type: single nucleotide variant.
Coding change: c.3196A>T on transcript NM_000052.7 (MANE Select); coding-DNA position 3196, A replaced by T.
Protein change: p.Asn1066Tyr; replaces asparagine 1066 with tyrosine.
Molecular consequence: missense variant. On other transcripts: non-coding transcript variant (1).
Genome position (GRCh38, 1-based): chrX:78,031,484, A>T. VCF-style: chrX-78031484-A-T. GRCh37 (hg19) VCF-style: chrX-77286982-A-T.
Other names: c.2962A>T, p.Asn988Tyr (NM_001282224.2); short protein forms N1066Y, N988Y.
Identifiers: ClinVar variation 4538298 (VCV004538298.2).
Genomic context (GRCh38, chrX:78,031,484, plus strand): 5'-ACTGGAACCATTACTCACGGAACCCCAGTGGTGAATCAAGTAAAGGTTCTAACTGAAAGT[A>T]ACAGAATATCACACCATAAAATCTTGGCCATTGTGGGAACTGCTGAAAGTAACAGTGAAC-3'
Protein context (NP_000043.4, residues 1056-1076): VNQVKVLTES[Asn1066Tyr]RISHHKILAI